The following is an entry in ClinVar:

ClinVar aggregate classification (germline): Uncertain significance (1 of 4 stars; one submission).

Conditions:
Catecholaminergic polymorphic ventricular tachycardia 1. Also called: VENTRICULAR TACHYCARDIA, CATECHOLAMINERGIC POLYMORPHIC, 1, WITH OR WITHOUT ATRIAL DYSFUNCTION AND/OR DILATED CARDIOMYOPATHY; VENTRICULAR TACHYCARDIA, STRESS-INDUCED POLYMORPHIC 1; RYR2-Related Catecholaminergic Polymorphic Ventricular Tachycardia. Identifiers: Orphanet 3286, MedGen C1631597, MONDO:0011484, OMIM 604772.

Submission:

Labcorp Genetics (formerly Invitae), Labcorp
Classification: Uncertain significance for Catecholaminergic polymorphic ventricular tachycardia 1. Last evaluated: 2024-01-31. Review status: criteria provided, single submitter. Criteria: Invitae Variant Classification Sherloc (09022015). Collection method: clinical testing. Allele origin: germline.
Comment: This sequence change replaces leucine, which is neutral and non-polar, with valine, which is neutral and non-polar, at codon 192 of the RYR2 protein (p.Leu192Val). This variant is not present in population databases (gnomAD no frequency). This variant has not been reported in the literature in individuals affected with RYR2-related conditions. An algorithm developed to predict the effect of missense changes on protein structure and function (PolyPhen-2) suggests that this variant is likely to be tolerated. Algorithms developed to predict the effect of sequence changes on RNA splicing suggest that this variant may disrupt the consensus splice site. In summary, the available evidence is currently insufficient to determine the role of this variant in disease. Therefore, it has been classified as a Variant of Uncertain Significance.

NM_001035.3(RYR2):c.574T>G (p.Leu192Val)

Gene: RYR2 (ryanodine receptor 2; plus strand). Cytogenetic location: 1q43.
Variant type: single nucleotide variant.
Coding change: c.574T>G on transcript NM_001035.3 (MANE Select); coding-DNA position 574, T replaced by G.
Protein change: p.Leu192Val; replaces leucine 192 with valine.
Molecular consequence: missense variant.
Genome position (GRCh38, 1-based): chr1:237,377,433, T>G. VCF-style: chr1-237377433-T-G. GRCh37 (hg19) VCF-style: chr1-237540733-T-G.
Other names: short protein forms L192V.
Identifiers: ClinVar variation 2714296 (VCV002714296.3), dbSNP rs2529993906, ClinGen allele CA345375740.